The following is an entry in ClinVar:

NM_001204.7(BMPR2):c.1288C>T (p.Pro430Ser)

Gene: BMPR2 (bone morphogenetic protein receptor type 2; plus strand). Cytogenetic location: 2q33.2.
Variant type: single nucleotide variant.
Coding change: c.1288C>T on transcript NM_001204.7 (MANE Select); coding-DNA position 1288, C replaced by T.
Protein change: p.Pro430Ser; replaces proline 430 with serine.
Molecular consequence: missense variant.
Genome position (GRCh38, 1-based): chr2:202,542,322, C>T. VCF-style: chr2-202542322-C-T. GRCh37 (hg19) VCF-style: chr2-203407045-C-T.
Other names: short protein forms P430S.
Identifiers: ClinVar variation 4996810 (VCV004996810.1).
Genomic context (GRCh38, chr2:202,542,322, plus strand): 5'-TATGATAGTTAGAAATTTTATTCTGTCATTCTTTTCTACAAATCCACAGGGGAATCCGTA[C>T]CAGAGTACCAGATGGCTTTTCAGACAGAGGTTGGAAACCATCCCACTTTTGAGGATATGC-3'
Protein context (NP_001195.2, residues 420-440): CTDLFPGESV[Pro430Ser]EYQMAFQTEV

ClinVar aggregate classification (germline): Uncertain significance (1 of 4 stars; one submission).

Conditions:
BMPR2-related disorder. Also called: BMPR2-related disorders; BMPR2-related condition.

Submission:

PreventionGenetics, part of Exact Sciences
Classification: Uncertain significance for BMPR2-related condition. Last evaluated: 2024-12-12. Review status: criteria provided, single submitter. Criteria: ACMG Guidelines, 2015. Collection method: clinical testing. Allele origin: germline.
Comment: The BMPR2 c.1288C>T variant is predicted to result in the amino acid substitution p.Pro430Ser. To our knowledge, this variant has not been reported in the literature or in a large population database (gnomAD), indicating this variant is rare. At this time, the clinical significance of this variant is uncertain due to the absence of conclusive functional and genetic evidence.